The following is an entry in ClinVar:

NM_024408.4(NOTCH2):c.6877C>T (p.His2293Tyr)

Gene: NOTCH2 (notch receptor 2; minus strand). Cytogenetic location: 1p12.
Variant type: single nucleotide variant.
Coding change: c.6877C>T on transcript NM_024408.4 (MANE Select); coding-DNA position 6877, C replaced by T.
Protein change: p.His2293Tyr; replaces histidine 2293 with tyrosine.
Molecular consequence: missense variant.
Genome position (GRCh38, 1-based): chr1:119,915,845, G>A on the plus strand (C>T on the coding strand, the complement: NOTCH2 is on the minus strand). VCF-style: chr1-119915845-G-A. GRCh37 (hg19) VCF-style: chr1-120458468-G-A.
Other names: short protein forms H2293Y.
Identifiers: ClinVar variation 4991155 (VCV004991155.1).
Genomic context (GRCh38, chr1:119,915,845, plus strand): 5'-CTTTAGGGATGAGCTGGAAAGTCACAATGGGGGGCAAGGGCTCCCGAGGGGTGGTTATGT[G>A]CTTCCCTTCAGGTGGCCTGCTCTGGGGAGCTATGCCAGGATGGGTGCCCTCAGCTGGAGC-3'
Protein context (NP_077719.2, residues 2283-2303): APQSRPPEGK[His2293Tyr]ITTPREPLPP

ClinVar aggregate classification (germline): Uncertain significance (1 of 4 stars; one submission).

Conditions:
NOTCH2-related disorder. Also called: NOTCH2-related condition.

gnomAD v4.1: 4 of 1,614,152 alleles (0.00025%); highest among the groups gnomAD compares: South Asian, 0.0044%; 1 homozygote.

Submission:

PreventionGenetics, part of Exact Sciences
Classification: Uncertain significance for NOTCH2-related condition. Last evaluated: 2026-04-28. Review status: criteria provided, single submitter. Criteria: ACMG Guidelines, 2015. Collection method: clinical testing. Allele origin: germline.
Comment: The NOTCH2 c.6877C>T variant is predicted to result in the amino acid substitution p.His2293Tyr. To our knowledge, this variant has not been reported in the literature. This variant is reported in 0.0044% of alleles in individuals of South Asian descent with one homozygote in gnomAD v4.1.1. Although we suspect that this variant may be benign, at this time, the clinical significance of this variant is uncertain due to the absence of conclusive functional and genetic evidence.